The following is an entry in ClinVar:

NM_006231.4(POLE):c.5305A>C (p.Met1769Leu)

Gene: POLE (DNA polymerase epsilon, catalytic subunit; minus strand). Cytogenetic location: 12q24.33.
Variant type: single nucleotide variant.
Coding change: c.5305A>C on transcript NM_006231.4 (MANE Select); coding-DNA position 5305, A replaced by C.
Protein change: p.Met1769Leu; replaces methionine 1769 with leucine.
Molecular consequence: missense variant.
Genome position (GRCh38, 1-based): chr12:132,641,720, T>G on the plus strand (A>C on the coding strand, the complement: POLE is on the minus strand). VCF-style: chr12-132641720-T-G. GRCh37 (hg19) VCF-style: chr12-133218306-T-G.
Other names: short protein forms M1769L.
Identifiers: ClinVar variation 1057976 (VCV001057976.9), dbSNP rs1449742140, ClinGen allele CA387376039.

ClinVar aggregate classification (germline): Uncertain significance (1 of 4 stars; one submission).

Submission:

Labcorp Genetics (formerly Invitae), Labcorp
Classification: Uncertain significance. Last evaluated: 2025-04-20. Review status: criteria provided, single submitter. Criteria: Invitae Variant Classification Sherloc (09022015). Collection method: clinical testing. Allele origin: germline.
Comment: This sequence change replaces methionine, which is neutral and non-polar, with leucine, which is neutral and non-polar, at codon 1769 of the POLE protein (p.Met1769Leu). This variant is not present in population databases (gnomAD no frequency). This variant has not been reported in the literature in individuals affected with POLE-related conditions. ClinVar contains an entry for this variant (Variation ID: 1057976). An algorithm developed to predict the effect of missense changes on protein structure and function (PolyPhen-2) suggests that this variant is likely to be tolerated. In summary, the available evidence is currently insufficient to determine the role of this variant in disease. Therefore, it has been classified as a Variant of Uncertain Significance.